The following is an entry in ClinVar:

ClinVar aggregate classification (germline): Uncertain significance. Review status: criteria provided, multiple submitters, no conflicts (2 of 4 stars). 2 submissions from 2 submitters: Uncertain significance (2). Last evaluated 2023-03-13.

Conditions:
DICER1-related tumor predisposition. Also called: DICER1 syndrome; DICER1-related pleuropulmonary blastoma cancer predisposition syndrome. Identifiers: Orphanet 284343, MedGen C3839822, MONDO:0100216.
Hereditary cancer-predisposing syndrome. Also called: Neoplastic Syndromes, Hereditary; Tumor predisposition; Hereditary Cancer Syndrome; Hereditary neoplastic syndrome. Identifiers: Orphanet 140162, MedGen C0027672, MeSH D009386, MONDO:0015356.

Submissions (2):

Labcorp Genetics (formerly Invitae), Labcorp
Classification: Uncertain significance for DICER1-related tumor predisposition. Last evaluated: 2023-03-13. Review status: criteria provided, single submitter. Criteria: Invitae Variant Classification Sherloc (09022015). Collection method: clinical testing. Allele origin: germline.
Comment: This sequence change replaces isoleucine, which is neutral and non-polar, with threonine, which is neutral and polar, at codon 1663 of the DICER1 protein (p.Ile1663Thr). In summary, the available evidence is currently insufficient to determine the role of this variant in disease. Therefore, it has been classified as a Variant of Uncertain Significance. Advanced modeling of protein sequence and biophysical properties (such as structural, functional, and spatial information, amino acid conservation, physicochemical variation, residue mobility, and thermodynamic stability) performed at Invitae indicates that this missense variant is not expected to disrupt DICER1 protein function. ClinVar contains an entry for this variant (Variation ID: 1744555). This variant has not been reported in the literature in individuals affected with DICER1-related conditions. This variant is not present in population databases (gnomAD no frequency).

Ambry Genetics
Classification: Uncertain significance for Hereditary cancer-predisposing syndrome. Last evaluated: 2019-11-12. Review status: criteria provided, single submitter. Criteria: Ambry Variant Classification Scheme 2023. Collection method: clinical testing. Allele origin: germline.
Comment: The p.I1663T variant (also known as c.4988T>C), located in coding exon 22 of the DICER1 gene, results from a T to C substitution at nucleotide position 4988. The isoleucine at codon 1663 is replaced by threonine, an amino acid with similar properties. This amino acid position is highly conserved in available vertebrate species. In addition, this alteration is predicted to be deleterious by in silico analysis. Since supporting evidence is limited at this time, the clinical significance of this alteration remains unclear.

NM_177438.3(DICER1):c.4988T>C (p.Ile1663Thr)

Gene: DICER1 (dicer 1, ribonuclease III; minus strand). Cytogenetic location: 14q32.13.
Variant type: single nucleotide variant.
Coding change: c.4988T>C on transcript NM_177438.3 (MANE Select); coding-DNA position 4988, T replaced by C.
Protein change: p.Ile1663Thr; replaces isoleucine 1663 with threonine.
Molecular consequence: missense variant. On other transcripts: non-coding transcript variant (6).
Genome position (GRCh38, 1-based): chr14:95,095,932, A>G on the plus strand (T>C on the coding strand, the complement: DICER1 is on the minus strand). VCF-style: chr14-95095932-A-G. GRCh37 (hg19) VCF-style: chr14-95562269-A-G.
Other names: c.4988T>C, p.Ile1663Thr (NM_001195573.1, NM_001271282.3, NM_001291628.2 and 13 more transcripts); c.4706T>C, p.Ile1569Thr (NM_001395686.1); c.4583T>C, p.Ile1528Thr (NM_001395687.1, NM_001395688.1, NM_001395689.1 and 2 more transcripts); c.4421T>C, p.Ile1474Thr (NM_001395691.1); c.3305T>C, p.Ile1102Thr (NM_001395697.1); short protein forms I1569T, I1528T, I1663T, I1102T, I1474T.
Identifiers: ClinVar variation 1744555 (VCV001744555.5), dbSNP rs2542478432, ClinGen allele CA390866158.